The following is an entry in ClinVar:

ClinVar aggregate classification (germline): Uncertain significance (1 of 4 stars; one submission).

Conditions:
Hypertrophic cardiomyopathy 1 (CMH1). Also called: Familial hypertrophic cardiomyopathy 1; MYH7-Related Familial Hypertrophic Cardiomyopathy. Identifiers: MedGen C3495498, MONDO:0008647, OMIM 192600.

Submission:

Labcorp Genetics (formerly Invitae), Labcorp
Classification: Uncertain significance for Hypertrophic cardiomyopathy 1. Last evaluated: 2025-03-31. Review status: criteria provided, single submitter. Criteria: Invitae Variant Classification Sherloc (09022015). Collection method: clinical testing. Allele origin: germline.
Comment: This sequence change replaces methionine, which is neutral and non-polar, with valine, which is neutral and non-polar, at codon 334 of the MYLK2 protein (p.Met334Val). This variant is not present in population databases (gnomAD no frequency). This variant has not been reported in the literature in individuals affected with MYLK2-related conditions. ClinVar contains an entry for this variant (Variation ID: 1720199). Invitae Evidence Modeling of protein sequence and biophysical properties (such as structural, functional, and spatial information, amino acid conservation, physicochemical variation, residue mobility, and thermodynamic stability) indicates that this missense variant is expected to disrupt MYLK2 protein function with a positive predictive value of 80%. In summary, the available evidence is currently insufficient to determine the role of this variant in disease. Therefore, it has been classified as a Variant of Uncertain Significance.

NM_033118.4(MYLK2):c.1000A>G (p.Met334Val)

Gene: MYLK2 (myosin light chain kinase 2; plus strand). Cytogenetic location: 20q11.21.
Variant type: single nucleotide variant.
Coding change: c.1000A>G on transcript NM_033118.4 (MANE Select); coding-DNA position 1000, A replaced by G.
Protein change: p.Met334Val; replaces methionine 334 with valine.
Molecular consequence: missense variant.
Genome position (GRCh38, 1-based): chr20:31,826,632, A>G. VCF-style: chr20-31826632-A-G. GRCh37 (hg19) VCF-style: chr20-30414435-A-G.
Other names: short protein forms M334V.
Identifiers: ClinVar variation 1720199 (VCV001720199.5), dbSNP rs2062280955, ClinGen allele CA408526874.